The following is an entry in ClinVar:

ClinVar aggregate classification (germline): Uncertain significance. Review status: criteria provided, multiple submitters, no conflicts (2 of 4 stars). 2 submissions from 2 submitters: Uncertain significance (2). Last evaluated 2025-08-15.

Allele frequency attached by ClinVar (database versions not stated): gnomAD 0.00001 and 0.00002; TOPMed 0.00001; ExAC 0.00005; gnomAD exomes 0.00005 and 0.00007.

Submissions (2):

Labcorp Genetics (formerly Invitae), Labcorp
Classification: Uncertain significance. Last evaluated: 2025-08-15. Review status: criteria provided, single submitter. Criteria: Invitae Variant Classification Sherloc (09022015). Collection method: clinical testing. Allele origin: germline.
Comment: This sequence change replaces methionine, which is neutral and non-polar, with isoleucine, which is neutral and non-polar, at codon 57 of the NDUFB9 protein (p.Met57Ile). This variant is present in population databases (rs774728394, gnomAD 0.05%). This variant has not been reported in the literature in individuals affected with NDUFB9-related conditions. ClinVar contains an entry for this variant (Variation ID: 1525100). An algorithm developed to predict the effect of missense changes on protein structure and function (PolyPhen-2) suggests that this variant is likely to be tolerated. In summary, the available evidence is currently insufficient to determine the role of this variant in disease. Therefore, it has been classified as a Variant of Uncertain Significance.

Ambry Genetics
Classification: Uncertain significance. Last evaluated: 2022-12-06. Review status: criteria provided, single submitter. Criteria: Ambry Variant Classification Scheme 2023. Collection method: clinical testing. Allele origin: germline.

NM_005005.3(NDUFB9):c.171G>A (p.Met57Ile)

Gene: NDUFB9 (NADH:ubiquinone oxidoreductase subunit B9; plus strand). Cytogenetic location: 8q24.13.
Variant type: single nucleotide variant.
Coding change: c.171G>A on transcript NM_005005.3 (MANE Select); coding-DNA position 171, G replaced by A.
Protein change: p.Met57Ile; replaces methionine 57 with isoleucine.
Molecular consequence: missense variant. On other transcripts: initiator codon variant (1).
Genome position (GRCh38, 1-based): chr8:124,543,156, G>A. VCF-style: chr8-124543156-G-A. GRCh37 (hg19) VCF-style: chr8-125555397-G-A.
Other names: c.3G>A, p.Met1Ile (NM_001278645.2); c.42G>A, p.Met14Ile (NM_001278646.2); c.138G>A, p.Met46Ile (NM_001311168.2); c.171G>A (NM_005005.2); short protein forms M1I, M46I, M14I, M57I.
Identifiers: ClinVar variation 1525100 (VCV001525100.7), dbSNP rs774728394, ClinGen allele CA4871486.